The following is an entry in ClinVar:

ClinVar aggregate classification (germline): Likely pathogenic (1 of 4 stars; one submission).

Submission:

Dasa
Classification: Likely pathogenic. Last evaluated: 2026-02-05. Review status: criteria provided, single submitter. Criteria: DASA Assertion Criteria. Collection method: clinical testing. Allele origin: germline.
Comment: NM_000088.4(COL1A1):c.323_328delinsAGAT (p.Thr108Lysfs*60) is a frameshift variant in COL1A1 predicted to alter the reading frame and introduce a premature termination codon and is predicted to result in an absent or altered protein product. Loss of function is an established disease mechanism for COL1A1 (PMID: 9067755; PMID: 9016532). Also, this variant is absent from population databases. Based on the currently available evidence, this variant is classified as likely pathogenic.

Literature cited by the submitters: PubMed 9067755; PubMed 9016532.

NM_000088.4(COL1A1):c.323_328delinsAGAT (p.Thr108fs)

Gene: COL1A1 (collagen type I alpha 1 chain; minus strand). Cytogenetic location: 17q21.33.
Variant type: Indel.
Coding change: c.323_328delinsAGAT on transcript NM_000088.4 (MANE Select); coding-DNA positions 323 to 328, CCGGCG replaced by AGAT.
Protein change: p.Thr108fs; shifts the reading frame from threonine 108.
Molecular consequence: frameshift variant.
Genome position (GRCh38, 1-based): chr17:50,199,561-50,199,566, CGCCGG replaced by ATCT on the plus strand (CCGGCG replaced by AGAT on the coding strand, the reverse complement: COL1A1 is on the minus strand). VCF-style: chr17-50199561-CGCCGG-ATCT. GRCh37 (hg19) VCF-style: chr17-48276922-CGCCGG-ATCT.
Other names: short protein forms T108fs.
Identifiers: ClinVar variation 4880783 (VCV004880783.2).
Genomic context (GRCh38, chr17:50,199,561, plus strand): 5'-GGACTGTGAGGAGTCACGGGCCGCGCAGGGGCAAAATTCGAGGGCAGGAGATTACCTCGA[CGCCGG>ATCT]TGGTTTCTTGGTCGGTGGGTGACTCTAGGGGACGAAGAGACGCGCGTTAGAGCCAAGGTT-3'